The following is an entry in ClinVar:

ClinVar aggregate classification (germline): Uncertain significance (1 of 4 stars; one submission).

Conditions:
Cardiomyopathy (CMYO). Also called: Cardiomyopathies. Identifiers: Orphanet 167848, MedGen C0878544, MONDO:0004994, HP:0001638. Inheritance: Various modes of inheritance.

Submission:

Color Diagnostics, LLC DBA Color Health
Classification: Uncertain significance for Cardiomyopathy. Last evaluated: 2023-12-04. Review status: criteria provided, single submitter. Criteria: ACMG Guidelines, 2015. Collection method: clinical testing. Allele origin: germline.
Comment: This missense variant replaces glutamic acid with aspartic acid at codon 102 of the DSC2 protein. Computational prediction suggests that this variant may not impact protein structure and function (internally defined REVEL score threshold <= 0.5, PMID: 27666373). To our knowledge, functional studies have not been reported for this variant. This variant has not been reported in individuals affected with DSC2-related disorders in the literature. This variant has not been identified in the general population by the Genome Aggregation Database (gnomAD). The available evidence is insufficient to determine the role of this variant in disease conclusively. Therefore, this variant is classified as a Variant of Uncertain Significance.

NM_024422.6(DSC2):c.306G>C (p.Glu102Asp)

Gene: DSC2 (desmocollin 2; minus strand). Cytogenetic location: 18q12.1.
Variant type: single nucleotide variant.
Coding change: c.306G>C on transcript NM_024422.6 (MANE Select); coding-DNA position 306, G replaced by C.
Protein change: p.Glu102Asp; replaces glutamic acid 102 with aspartic acid.
Molecular consequence: missense variant. On other transcripts: 5 prime UTR variant (2).
Genome position (GRCh38, 1-based): chr18:31,092,149, C>G on the plus strand (G>C on the coding strand, the complement: DSC2 is on the minus strand). VCF-style: chr18-31092149-C-G. GRCh37 (hg19) VCF-style: chr18-28672112-C-G.
Other names: c.-124G>C (NM_001406506.1, NM_001406507.1); c.306G>C, p.Glu102Asp (NM_004949.5); short protein forms E102D.
Identifiers: ClinVar variation 2775194 (VCV002775194.2), dbSNP rs2510956021, ClinGen allele CA402114669.